The following is an entry in ClinVar:

ClinVar aggregate classification (germline): Likely benign. Review status: criteria provided, multiple submitters, no conflicts (2 of 4 stars). 3 submissions from 3 submitters: Likely benign (2). 1 of the submissions does not count toward it. Last evaluated 2026-01-28.

Conditions:
SELENON-related disorder. Also called: SELENON-related condition.
Eichsfeld type congenital muscular dystrophy (CMYO3). Also called: Rigid spine muscular dystrophy 1; MYOPATHY, SEPN1-RELATED; SELENON-related myopathy; Congenital myopathy 3 with rigid spine. Identifiers: MedGen C0410180, MONDO:0100100, OMIM 602771.

Allele frequency attached by ClinVar (database versions not stated): ESP Exome Variant Server 0.00016; ExAC 0.00018; gnomAD 0.00020 and 0.00021; gnomAD exomes 0.00020; TOPMed 0.00022; 1000 Genomes Project 30x 0.00031; 1000 Genomes Project 0.00040.
gnomAD v4.1: 115 of 1,614,022 alleles (0.0071%); highest among the groups gnomAD compares: Admixed American, 0.078%; no homozygotes.

Submissions (3):

Labcorp Genetics (formerly Invitae), Labcorp
Classification: Likely benign for Eichsfeld type congenital muscular dystrophy. Last evaluated: 2026-01-28. Review status: criteria provided, single submitter. Criteria: Invitae Variant Classification Sherloc (09022015). Collection method: clinical testing. Allele origin: germline.

Blueprint Genetics
Classification: Likely benign. Last evaluated: 2024-10-23. Review status: criteria provided, single submitter. Criteria: ACMG Guidelines, 2015. Collection method: clinical testing. Allele origin: germline.

PreventionGenetics, part of Exact Sciences
Classification: Likely benign for SELENON-related condition. Last evaluated: 2024-06-12. Review status: no assertion criteria provided. Collection method: clinical testing. Allele origin: germline. Not counted in ClinVar's aggregate classification.
Comment: This variant is classified as likely benign based on ACMG/AMP sequence variant interpretation guidelines (Richards et al. 2015 PMID: 25741868, with internal and published modifications).

NM_206926.2(SELENON):c.939C>T (p.Tyr313=)

Gene: SELENON (selenoprotein N; plus strand). Cytogenetic location: 1p36.11.
Variant type: single nucleotide variant.
Coding change: c.939C>T on transcript NM_206926.2 (MANE Select); coding-DNA position 939, C replaced by T.
Protein change: p.Tyr313=; no amino-acid change (tyrosine 313 retained).
Molecular consequence: synonymous variant.
Genome position (GRCh38, 1-based): chr1:25,811,484, C>T. VCF-style: chr1-25811484-C-T. GRCh37 (hg19) VCF-style: chr1-26137975-C-T.
Other names: c.1041C>T, p.Tyr347= (NM_020451.3); c.1041C>T (NM_020451.2).
Identifiers: ClinVar variation 1077222 (VCV001077222.11), dbSNP rs113867228, ClinGen allele CA696727.